The following is an entry in ClinVar:

NM_003355.3(UCP2):c.554G>A (p.Arg185His)

Gene: UCP2 (uncoupling protein 2; minus strand). Cytogenetic location: 11q13.4.
Variant type: single nucleotide variant.
Coding change: c.554G>A on transcript NM_003355.3 (MANE Select); coding-DNA position 554, G replaced by A.
Protein change: p.Arg185His; replaces arginine 185 with histidine.
Molecular consequence: missense variant. On other transcripts: intron variant (1).
Genome position (GRCh38, 1-based): chr11:73,976,721, C>T on the plus strand (G>A on the coding strand, the complement: UCP2 is on the minus strand). VCF-style: chr11-73976721-C-T. GRCh37 (hg19) VCF-style: chr11-73687766-C-T.
Other names: c.554G>A, p.Arg185His (NM_001381943.1, NM_001381944.1, NM_001381945.1 and 2 more transcripts); c.359G>A, p.Arg120His (NM_001381950.1); c.532+102G>A (NM_001381949.1); short protein forms R120H, R185H.
Identifiers: ClinVar variation 3604974 (VCV003604974.2).

ClinVar aggregate classification (germline): Uncertain significance (1 of 4 stars; one submission).

gnomAD v4.1: 12 of 1,613,984 alleles (0.00074%); highest among the groups gnomAD compares: East Asian, 0.0022%; no homozygotes.

Submission:

Labcorp Genetics (formerly Invitae), Labcorp
Classification: Uncertain significance. Last evaluated: 2024-08-13. Review status: criteria provided, single submitter. Criteria: Invitae Variant Classification Sherloc (09022015). Collection method: clinical testing. Allele origin: germline.
Comment: This sequence change replaces arginine, which is basic and polar, with histidine, which is basic and polar, at codon 185 of the UCP2 protein (p.Arg185His). This variant is present in population databases (rs761798872, gnomAD 0.0009%). This variant has not been reported in the literature in individuals affected with UCP2-related conditions. An algorithm developed to predict the effect of missense changes on protein structure and function (PolyPhen-2) suggests that this variant is likely to be disruptive. In summary, the available evidence is currently insufficient to determine the role of this variant in disease. Therefore, it has been classified as a Variant of Uncertain Significance.